The following is an entry in ClinVar:

NM_004958.4(MTOR):c.3983A>C (p.Glu1328Ala)

Gene: MTOR (mechanistic target of rapamycin kinase; minus strand). Cytogenetic location: 1p36.22.
Variant type: single nucleotide variant.
Coding change: c.3983A>C on transcript NM_004958.4 (MANE Select); coding-DNA position 3983, A replaced by C.
Protein change: p.Glu1328Ala; replaces glutamic acid 1328 with alanine.
Molecular consequence: missense variant.
Genome position (GRCh38, 1-based): chr1:11,199,665, T>G on the plus strand (A>C on the coding strand, the complement: MTOR is on the minus strand). VCF-style: chr1-11199665-T-G. GRCh37 (hg19) VCF-style: chr1-11259722-T-G.
Other names: c.3983A>C, p.Glu1328Ala (NM_001386500.1); c.2735A>C, p.Glu912Ala (NM_001386501.1); short protein forms E1328A, E912A.
Identifiers: ClinVar variation 3366191 (VCV003366191.1).

ClinVar aggregate classification (germline): Uncertain significance (1 of 4 stars; one submission).

Submission:

GeneDx
Classification: Uncertain significance. Last evaluated: 2023-10-20. Review status: criteria provided, single submitter. Criteria: GeneDx Variant Classification Process June 2021. Collection method: clinical testing. Allele origin: germline. Affected: yes.
Comment: Not observed at significant frequency in large population cohorts (gnomAD); In silico analysis supports that this missense variant has a deleterious effect on protein structure/function; Has not been previously published as pathogenic or benign to our knowledge